The following is an entry in ClinVar:

NM_000152.5(GAA):c.2236T>C (p.Trp746Arg)

Gene: GAA (alpha glucosidase; plus strand). Cytogenetic location: 17q25.3.
Variant type: single nucleotide variant.
Coding change: c.2236T>C on transcript NM_000152.5 (MANE Select); coding-DNA position 2236, T replaced by C.
Protein change: p.Trp746Arg; replaces tryptophan 746 with arginine.
Molecular consequence: missense variant.
Genome position (GRCh38, 1-based): chr17:80,117,014, T>C. VCF-style: chr17-80117014-T-C. GRCh37 (hg19) VCF-style: chr17-78090813-T-C.
Other names: c.2236T>C (LRG_673t1); c.2236T>C, p.Trp746Arg (NM_001079803.3, NM_001079804.3); short protein forms W746R.
Identifiers: ClinVar variation 499293 (VCV000499293.29), dbSNP rs1479740763, ClinGen allele CA401324769.
Genomic context (GRCh38, chr17:80,117,014, plus strand): 5'-CATCCCCCTTGCAGGTTCCCCAAGGACTCTAGCACCTGGACTGTGGACCACCAGCTCCTG[T>C]GGGGGGAGGCCCTGCTCATCACCCCAGTGCTCCAGGCCGGGAAGGCCGAAGTGACTGGCT-3'
Protein context (NP_000143.2, residues 736-756): STWTVDHQLL[Trp746Arg]GEALLITPVL

ClinVar aggregate classification (germline): Pathogenic/Likely pathogenic. Review status: criteria provided, multiple submitters, no conflicts (2 of 4 stars). 9 submissions from 9 submitters: Pathogenic (5); Likely pathogenic (3). 1 of the submissions does not count toward it. Last evaluated 2026-07-01.

Conditions:
Glycogen storage disease, type II (IOPD). Also called: POMPE DISEASE, INFANTILE-ONSET; GLYCOGEN STORAGE DISEASE II, INFANTILE-ONSET; ACID ALPHA-GLUCOSIDASE DEFICIENCY, INFANTILE-ONSET; GAA DEFICIENCY, INFANTILE-ONSET; ACID MALTASE DEFICIENCY, INFANTILE-ONSET; CARDIOMEGALIA GLYCOGENICA DIFFUSA. Identifiers: Orphanet 365, MedGen C0017921, MONDO:0009290, OMIM 232300.

Allele frequency attached by ClinVar (database versions not stated): gnomAD exomes below 0.00001; TOPMed 0.00001.
gnomAD v4.1: 1 of 1,613,664 alleles (0.000062%); highest among the groups gnomAD compares: African/African-American, 0.0013%; no homozygotes.

Submissions (9):

Genomenon, Inc
Classification: Pathogenic for Glycogen storage disease, type II. Last evaluated: 2026-07-01. Review status: criteria provided, single submitter. Criteria: Genomenon Sequence Variant Interpretation Standards - Updated. Collection method: curation. Allele origin: germline. Affected: yes.
Comment: GAA p.Trp746Arg (c.2236T>C) is a missense variant that changes the amino acid at codon 746 from Tryptophan to Arginine. This variant has been observed in at least one proband with a GAA-related disorder in the compound heterozygous and/or homozygous state (PMID:38313679;33202836;33073009;32064362;23430493). At least one functional study has demonstrated a substantial alteration in protein function relative to the wild-type (PMID:23430493). It is absent or not present at a significant frequency in gnomAD. In silico models predict that this variant is possibly or probably damaging. In conclusion, we classify GAA p.Trp746Arg (c.2236T>C) as a pathogenic variant.

Natera, Inc.
Classification: Likely pathogenic for Glycogen storage disease type II. Last evaluated: 2025-10-24. Review status: criteria provided, single submitter. Criteria: Natera Variant Classification Schema (03/2026). Collection method: clinical testing. Allele origin: germline.
Comment: The c.2236T>C variant in GAA is a missense variant predicted to cause substitution of tryptophan to arginine at amino acid 746. This variant is rare in the general population with a frequency below the threshold expected for the associated phenotype(s). This variant has been observed in one or more individuals affected with the associated recessive disease, as either homozygous or compound heterozygous with a second variant (PMID: 38313679, 32064362, 29122469, 23430493). A different variant at the same position has been determined to be Pathogenic or Likely Pathogenic. Computational prediction algorithms indicate this variant is likely to affect gene or protein function. Given the available evidence, this variant is classified as Likely Pathogenic.

Labcorp Genetics (formerly Invitae), Labcorp
Classification: Pathogenic for Glycogen storage disease, type II. Last evaluated: 2025-10-14. Review status: criteria provided, single submitter. Criteria: Invitae Variant Classification Sherloc (09022015). Collection method: clinical testing. Allele origin: germline.
Comment: This sequence change replaces tryptophan, which is neutral and slightly polar, with arginine, which is basic and polar, at codon 746 of the GAA protein (p.Trp746Arg). This variant is not present in population databases (gnomAD no frequency). This missense change has been observed in individuals with GAA-related conditions (PMID: 23430493, 29122469). ClinVar contains an entry for this variant (Variation ID: 499293). Invitae Evidence Modeling of protein sequence and biophysical properties (such as structural, functional, and spatial information, amino acid conservation, physicochemical variation, residue mobility, and thermodynamic stability) indicates that this missense variant is expected to disrupt GAA protein function with a positive predictive value of 95%. Experimental studies have shown that this missense change affects GAA function (PMID: 23430493). This variant disrupts the p.Trp746 amino acid residue in GAA. Other variant(s) that disrupt this residue have been determined to be pathogenic (PMID: 9535769, 21232767, 21757382, 25093132, 27099502). This suggests that this residue is clinically significant, and that variants that disrupt this residue are likely to be disease-causing. For these reasons, this variant has been classified as Pathogenic.

Revvity Omics, Revvity
Classification: Pathogenic. Last evaluated: 2024-09-10. Review status: criteria provided, single submitter. Criteria: ACMG Guidelines, 2015. Collection method: clinical testing. Allele origin: germline.

Women's Health and Genetics/Laboratory Corporation of America, LabCorp
Classification: Pathogenic for Glycogen storage disease, type II. Last evaluated: 2023-07-28. Review status: criteria provided, single submitter. Criteria: LabCorp Variant Classification Summary - May 2015. Collection method: clinical testing. Allele origin: germline.
Comment: Variant summary: GAA c.2236T>C (p.Trp746Arg) results in a non-conservative amino acid change in the encoded protein sequence. Five of five in-silico tools predict a damaging effect of the variant on protein function. This alters a highly conserved residue (HGMD) in which other missense variants have been found in association with disease and some have been classified as pathogenic by ClinVar submitters (e.g. p.Trp746Cys). The variant was absent in 250780 control chromosomes (gnomAD). c.2236T>C has been reported in the literature in individuals affected with Glycogen Storage Disease, Type 2 (Pompe Disease; Nino_2013, Mori_2017, Nallamilli_2018, Kishnani_2019), and some were reported as compound heterozygous with a pathogenic variant. These data indicate that the variant is likely to be associated with disease. At least one publication reports experimental evidence evaluating an impact on protein function (Nino_2013), finding that the variant results in <10% of normal GAA activity. The following publications have been ascertained in the context of this evaluation (PMID: 29122469, 23430493, 30564623, 31086307, 31254424, 33202836). Six submitters have cited clinical-significance assessments for this variant to ClinVar after 2014, and classified it as pathogenic/likely pathogenic (n=5) or uncertain significance (n=1). Based on the evidence outlined above, the variant was classified as pathogenic.

Genome-Nilou Lab
Classification: Likely pathogenic for Glycogen storage disease, type II. Last evaluated: 2021-07-22. Review status: criteria provided, single submitter. Criteria: ACMG Guidelines, 2015. Collection method: clinical testing. Allele origin: germline. Affected: no.

GeneDx
Classification: Pathogenic. Last evaluated: 2020-06-09. Review status: criteria provided, single submitter. Criteria: GeneDx Variant Classification Process June 2021. Collection method: clinical testing. Allele origin: germline. Affected: yes.
Comment: Published functional studies in HEK293 cells demonstrate a significant decrease or loss of enzyme activity compared to controls (Nino et al., 2013); Not observed in large population cohorts (Lek et al., 2016); In silico analysis supports that this missense variant has a deleterious effect on protein structure/function; This variant is associated with the following publications: (PMID: 31086307, 32064362, 21637107, 29122469, 23430493, 31342611, 30564623)

Eurofins Ntd Llc (ga)
Classification: Likely pathogenic. Last evaluated: 2017-01-13. Review status: criteria provided, single submitter. Criteria: EGL Classification Definitions 2015. Collection method: clinical testing. Allele origin: germline. Observed: 1 variant allele, 1 heterozygote.

Counsyl
Classification: Uncertain significance for Glycogen storage disease, type II. Last evaluated: 2018-05-23. Review status: no assertion criteria provided. Collection method: clinical testing. Allele origin: unknown. Not counted in ClinVar's aggregate classification.

Literature cited by the submitters: PubMed 38313679 (cited by Genomenon, Inc and Natera, Inc.); PubMed 33202836 (cited by Genomenon, Inc and Women's Health and Genetics/Laboratory Corporation of America, LabCorp); PubMed 33073009 (cited by Genomenon, Inc); PubMed 32064362 (cited by Genomenon, Inc and Natera, Inc.); PubMed 23430493 (cited by 5 submitters); PubMed 29122469 (cited by 3 submitters); PubMed 9535769 (cited by Labcorp Genetics (formerly Invitae), Labcorp); PubMed 21232767 (cited by Labcorp Genetics (formerly Invitae), Labcorp); PubMed 21757382 (cited by Labcorp Genetics (formerly Invitae), Labcorp); PubMed 25093132 (cited by Labcorp Genetics (formerly Invitae), Labcorp); PubMed 27099502 (cited by Labcorp Genetics (formerly Invitae), Labcorp); PubMed 30564623 (cited by Women's Health and Genetics/Laboratory Corporation of America, LabCorp); PubMed 31086307 (cited by Women's Health and Genetics/Laboratory Corporation of America, LabCorp); PubMed 31254424 (cited by Women's Health and Genetics/Laboratory Corporation of America, LabCorp); PubMed 21637107 (cited by Counsyl).